The following is an entry in ClinVar:

NM_139027.6(ADAMTS13):c.3879G>C (p.Gly1293=)

Gene: ADAMTS13 (ADAM metallopeptidase with thrombospondin type 1 motif 13; plus strand). Cytogenetic location: 9q34.2.
Variant type: single nucleotide variant.
Coding change: c.3879G>C on transcript NM_139027.6 (MANE Select); coding-DNA position 3879, G replaced by C.
Protein change: p.Gly1293=; no amino-acid change (glycine 1293 retained).
Molecular consequence: synonymous variant.
Genome position (GRCh38, 1-based): chr9:133,458,064, G>C. VCF-style: chr9-133458064-G-C. GRCh37 (hg19) VCF-style: chr9-136323186-G-C.
Other names: c.4047G>C, p.Gly1349= (NM_139025.5); c.3786G>C, p.Gly1262= (NM_139026.6).
Identifiers: ClinVar variation 4999858 (VCV004999858.1).

ClinVar aggregate classification (germline): Likely benign (1 of 4 stars; one submission).

Conditions:
ADAMTS13-related disorder. Also called: ADAMTS13-related condition.

gnomAD v4.1: 23 of 1,613,298 alleles (0.0014%); highest among the groups gnomAD compares: Non-Finnish European, 0.0019%; no homozygotes.

Submission:

PreventionGenetics, part of Exact Sciences
Classification: Likely benign for ADAMTS13-related condition. Last evaluated: 2026-05-22. Review status: criteria provided, single submitter. Criteria: ACMG Guidelines, 2015. Collection method: clinical testing. Allele origin: germline.
Comment: This variant is classified as likely benign based on ACMG/AMP sequence variant interpretation guidelines (Richards et al. 2015 PMID: 25741868, with internal and published modifications).